The following is an entry in ClinVar:

ClinVar aggregate classification (germline): Uncertain significance (1 of 4 stars; one submission).

Submission:

GeneDx
Classification: Uncertain significance. Last evaluated: 2026-10-24. Review status: criteria provided, single submitter. Criteria: GeneDx Variant Classification Process June 2021. Collection method: clinical testing. Allele origin: germline.
Comment: Not observed at significant frequency in large population cohorts (gnomAD); In silico analysis suggests that this missense variant does not alter protein structure/function; Has not been previously published as pathogenic or benign to our knowledge

NM_001348323.3(TRIP12):c.5742T>G (p.Asp1914Glu)

Gene: TRIP12 (thyroid hormone receptor interactor 12; minus strand). Cytogenetic location: 2q36.3.
Variant type: single nucleotide variant.
Coding change: c.5742T>G on transcript NM_001348323.3 (MANE Select); coding-DNA position 5742, T replaced by G.
Protein change: p.Asp1914Glu; replaces aspartic acid 1914 with glutamic acid.
Molecular consequence: missense variant.
Genome position (GRCh38, 1-based): chr2:229,771,585, A>C on the plus strand (T>G on the coding strand, the complement: TRIP12 is on the minus strand). VCF-style: chr2-229771585-A-C. GRCh37 (hg19) VCF-style: chr2-230636301-A-C.
Other names: c.5661T>G, p.Asp1887Glu (NM_001284214.2, NM_001348315.2); c.5616T>G, p.Asp1872Glu (NM_001284215.2, NM_001348316.2); c.4707T>G, p.Asp1569Glu (NM_001284216.2); c.5601T>G, p.Asp1867Glu (NM_001348317.1, NM_001348318.2); c.5727T>G, p.Asp1909Glu (NM_001348319.1, NM_001348320.2); c.5730T>G, p.Asp1910Glu (NM_001348321.1); c.5742T>G, p.Asp1914Glu (NM_001348322.1, NM_001348324.2, NM_001348325.2 and 2 more transcripts); c.5745T>G, p.Asp1915Glu (NM_001348328.1, NM_001348329.2, NM_001348330.2); and 4 more; short protein forms D1569E, D1839E, D1840E, D1867E, D1872E, D1880E, D1887E, D1888E.
Identifiers: ClinVar variation 3363409 (VCV003363409.2).
Genomic context (GRCh38, chr2:229,771,585, plus strand): 5'-CGGGTAGAAGTACTGAAGATGACTGAGTGGGAAGACTGATTCAAATCCATCTCTGAACGA[A>C]TCAAATTGCCTAGAAACGCCTTCATTTAGTGCCCAGAATATAACCAGCTGCAAAAAGAAA-3'
Protein context (NP_001335252.1, residues 1904-1924): ALNEGVSRQF[Asp1914Glu]SFRDGFESVF